The following is an entry in ClinVar:

NM_032892.5(FRMD5):c.453del (p.Lys152fs)

Gene: FRMD5 (FERM domain containing 5; minus strand). Cytogenetic location: 15q15.3.
Variant type: Deletion.
Coding change: c.453del on transcript NM_032892.5 (MANE Select); coding-DNA position 453, one base deleted (G; older notation c.453delG).
Protein change: p.Lys152fs; shifts the reading frame from lysine 152.
Molecular consequence: frameshift variant. On other transcripts: 5 prime UTR variant (1), non-coding transcript variant (1).
Genome position (GRCh38, 1-based): chr15:43,905,926, C deleted on the plus strand (G on the coding strand, the reverse complement: FRMD5 is on the minus strand); the first of 3 consecutive C bases (chr15:43,905,926-43,905,928); deleting any one gives the same sequence. VCF-style (leftmost placement, unchanged base first): chr15-43905925-TC-T. GRCh37 (hg19) VCF-style: chr15-44198123-TC-T.
Other names: c.186del, p.Lys63fs (NM_001286490.2); c.-161del (NM_001286491.2); c.453del, p.Lys152fs (NM_001322949.2, NM_001322950.2, NM_001411124.1); c.348del, p.Lys117fs (NM_001322951.2); short protein forms K117fs, K152fs, K63fs.
Identifiers: ClinVar variation 4755618 (VCV004755618.1).

ClinVar aggregate classification (germline): Uncertain significance (1 of 4 stars; one submission).

Submission:

GeneDx
Classification: Uncertain significance. Last evaluated: 2025-08-06. Review status: criteria provided, single submitter. Criteria: GeneDx Variant Classification Process June 2021. Collection method: clinical testing. Allele origin: germline. Affected: yes.
Comment: Frameshift variant predicted to result in protein truncation or nonsense mediated decay in a gene or region of a gene for which loss of function is not a well-established mechanism of disease; Not observed at significant frequency in large population cohorts (gnomAD); Has not been previously published as pathogenic or benign to our knowledge